The following is an entry in ClinVar:

ClinVar aggregate classification (germline): Uncertain significance (1 of 4 stars; one submission).

Allele frequency attached by ClinVar (database versions not stated): ExAC 0.00001; gnomAD exomes 0.00001.

Submission:

Labcorp Genetics (formerly Invitae), Labcorp
Classification: Uncertain significance. Last evaluated: 2021-05-05. Review status: criteria provided, single submitter. Criteria: Invitae Variant Classification Sherloc (09022015). Collection method: clinical testing. Allele origin: germline.
Comment: This sequence change creates a premature translational stop signal (p.Gln1037*) in the AMER1 gene. While this is not anticipated to result in nonsense mediated decay, it is expected to disrupt the last 99 amino acid(s) of the AMER1 protein. In summary, the available evidence is currently insufficient to determine the role of this variant in disease. Therefore, it has been classified as a Variant of Uncertain Significance. This variant has not been reported in the literature in individuals with AMER1-related conditions. This variant is present in population databases (rs748190147, ExAC 0.003%).

NM_152424.4(AMER1):c.3109C>T (p.Gln1037Ter)

Gene: AMER1 (APC membrane recruitment protein 1; minus strand). Cytogenetic location: Xq11.2.
Variant type: single nucleotide variant.
Coding change: c.3109C>T on transcript NM_152424.4 (MANE Select); coding-DNA position 3109, C replaced by T.
Protein change: p.Gln1037Ter; replaces glutamine 1037 with a stop codon.
Molecular consequence: nonsense.
Genome position (GRCh38, 1-based): chrX:64,190,178, G>A on the plus strand (C>T on the coding strand, the complement: AMER1 is on the minus strand). VCF-style: chrX-64190178-G-A. GRCh37 (hg19) VCF-style: chrX-63410058-G-A.
Other names: short protein forms Q1037*.
Identifiers: ClinVar variation 1475232 (VCV001475232.6), dbSNP rs748190147, ClinGen allele CA10432103.
Genomic context (GRCh38, chrX:64,190,178, plus strand): 5'-CATCAACAGGCAGCAGCACATCTCGAGGCCTGGCCCTCATGCTCTGGGAGGCCTGTGGCT[G>A]GAGGTTATAGCAAGGGCCCATGGGCAGGTGTAGGTGTGAGGGACGAGCTAGTTGAGGCCC-3'